The following is an entry in ClinVar:

ClinVar aggregate classification (germline): Likely pathogenic (1 of 4 stars; one submission).

Conditions:
Autosomal recessive nonsyndromic hearing loss 7. Also called: DEAFNESS, AUTOSOMAL RECESSIVE 11. Identifiers: Orphanet 90636, MedGen C1832978, MONDO:0010967, OMIM 600974.

Submission:

Institute of Rare Diseases, West China Hospital, Sichuan University
Classification: Likely pathogenic for Autosomal recessive nonsyndromic hearing loss 7. Last evaluated: 2025-01-09. Review status: criteria provided, single submitter. Criteria: ClinGen HL ACMG Specifications v1. Collection method: research. Allele origin: germline. Affected: yes.
Comment: PM3;PM5;PM2_Supporting;PP3

NM_138691.3(TMC1):c.1334G>T (p.Arg445Leu)

Gene: TMC1 (transmembrane channel like 1; plus strand). Cytogenetic location: 9q21.13.
Variant type: single nucleotide variant.
Coding change: c.1334G>T on transcript NM_138691.3 (MANE Select); coding-DNA position 1334, G replaced by T.
Protein change: p.Arg445Leu; replaces arginine 445 with leucine.
Molecular consequence: missense variant.
Genome position (GRCh38, 1-based): chr9:72,791,995, G>T. VCF-style: chr9-72791995-G-T. GRCh37 (hg19) VCF-style: chr9-75406911-G-T.
Other names: short protein forms R445L.
Identifiers: ClinVar variation 3601890 (VCV003601890.1).
Genomic context (GRCh38, chr9:72,791,995, plus strand): 5'-ACTTATTTGCTGAATTAGAAGACTACCATCCTCTCATCGCTTTGAAATGGCTACTGGGAC[G>T]CATTTTTGCTCTTCTTTTAGGCAATTTATACGTATTTATTCTTGCATTAATGGATGAGAT-3'
Protein context (NP_619636.2, residues 435-455): PLIALKWLLG[Arg445Leu]IFALLLGNLY